The following is an entry in ClinVar:

ClinVar aggregate classification (germline): Uncertain significance. Review status: criteria provided, multiple submitters, no conflicts (2 of 4 stars). 2 submissions from 2 submitters: Uncertain significance (2). Last evaluated 2022-09-21.

Conditions:
DICER1-related tumor predisposition. Also called: DICER1-related pleuropulmonary blastoma cancer predisposition syndrome; DICER1 syndrome. Identifiers: Orphanet 284343, MedGen C3839822, MONDO:0100216.

Submissions (2):

Quest Diagnostics Nichols Institute San Juan Capistrano
Classification: Uncertain significance. Last evaluated: 2022-09-21. Review status: criteria provided, single submitter. Criteria: Quest Diagnostics criteria. Collection method: clinical testing. Allele origin: unknown.
Comment: The variant has not been reported in the published literature. It also has not been reported in large, multi-ethnic general populations. Analysis of this variant using bioinformatics tools for the prediction of the effect of amino acid changes on protein structure and function yielded predictions that this variant is damaging. Based on the available information, we are unable to determine the clinical significance of this variant.

Labcorp Genetics (formerly Invitae), Labcorp
Classification: Uncertain significance for DICER1-related tumor predisposition. Last evaluated: 2019-12-07. Review status: criteria provided, single submitter. Criteria: Invitae Variant Classification Sherloc (09022015). Collection method: clinical testing. Allele origin: germline.
Comment: In summary, this variant is a novel missense change with uncertain impact on protein function. It has been classified as a Variant of Uncertain Significance. Algorithms developed to predict the effect of missense changes on protein structure and function (SIFT, PolyPhen-2, Align-GVGD) all suggest that this variant is likely to be disruptive, but these predictions have not been confirmed by published functional studies. This variant is not present in population databases (ExAC no frequency) and has not been reported in the literature in individuals with a DICER1-related disease. This sequence change replaces threonine with lysine at codon 1688 of the DICER1 protein (p.Thr1688Lys). The threonine residue is highly conserved and there is a moderate physicochemical difference between threonine and lysine.

NM_177438.3(DICER1):c.5063C>A (p.Thr1688Lys)

Gene: DICER1 (dicer 1, ribonuclease III; minus strand). Cytogenetic location: 14q32.13.
Variant type: single nucleotide variant.
Coding change: c.5063C>A on transcript NM_177438.3 (MANE Select); coding-DNA position 5063, C replaced by A.
Protein change: p.Thr1688Lys; replaces threonine 1688 with lysine.
Molecular consequence: missense variant.
Genome position (GRCh38, 1-based): chr14:95,095,857, G>T on the plus strand (C>A on the coding strand, the complement: DICER1 is on the minus strand). VCF-style: chr14-95095857-G-T. GRCh37 (hg19) VCF-style: chr14-95562194-G-T.
Other names: c.5063C>A, p.Thr1688Lys (NM_001195573.1, NM_001271282.3, NM_001291628.2 and 1 more transcripts); short protein forms T1688K.
Identifiers: ClinVar variation 477238 (VCV000477238.12), dbSNP rs1555367495, ClinGen allele CA390865981.
Genomic context (GRCh38, chr14:95,095,857, plus strand): 5'-AAATGAAGTCTGGTCGTGGGCTCCTTACCAGTGATAGTATTGTAGTGGTAGGAGGCATGT[G>T]TAAAAGCCTGGAGAAGGTAAGCCTTATTCTTGAATCTGTAGTTGATTTTCTTTTCAAAAT-3'
Protein context (NP_803187.1, residues 1678-1698): KNKAYLLQAF[Thr1688Lys]HASYHYNTIT